The following is an entry in ClinVar:

NM_006031.6(PCNT):c.659A>G (p.Glu220Gly)

Gene: PCNT (pericentrin; plus strand). Cytogenetic location: 21q22.3.
Variant type: single nucleotide variant.
Coding change: c.659A>G on transcript NM_006031.6 (MANE Select); coding-DNA position 659, A replaced by G.
Protein change: p.Glu220Gly; replaces glutamic acid 220 with glycine.
Molecular consequence: missense variant.
Genome position (GRCh38, 1-based): chr21:46,346,147, A>G. VCF-style: chr21-46346147-A-G. GRCh37 (hg19) VCF-style: chr21-47766061-A-G.
Other names: c.305A>G, p.Glu102Gly (NM_001315529.2); short protein forms E102G, E220G.
Identifiers: ClinVar variation 4988446 (VCV004988446.1).

ClinVar aggregate classification (germline): Uncertain significance (1 of 4 stars; one submission).

Conditions:
PCNT-related disorder. Also called: PCNT-related condition.

gnomAD v4.1: 3 of 1,614,048 alleles (0.00019%); highest among the groups gnomAD compares: African/African-American, 0.0013%; no homozygotes.

Submission:

PreventionGenetics, part of Exact Sciences
Classification: Uncertain significance for PCNT-related condition. Last evaluated: 2025-03-11. Review status: criteria provided, single submitter. Criteria: ACMG Guidelines, 2015. Collection method: clinical testing. Allele origin: germline.
Comment: The PCNT c.659A>G variant is predicted to result in the amino acid substitution p.Glu220Gly. To our knowledge, this variant has not been reported in the literature. This variant is reported in 0.0040% of alleles in individuals of African descent in gnomAD. At this time, the clinical significance of this variant is uncertain due to the absence of conclusive functional and genetic evidence.